The following is an entry in ClinVar:

NM_000136.3(FANCC):c.1252_1253delinsGA (p.Pro418Asp)

Genes: FANCC (FA complementation group C; minus strand), AOPEP (aminopeptidase O (putative); plus strand). Cytogenetic location: 9q22.32.
Variant type: Indel.
Coding change: c.1252_1253delinsGA on transcript NM_000136.3 (MANE Select); coding-DNA positions 1252 to 1253, CC replaced by GA.
Protein change: p.Pro418Asp; replaces proline 418 with aspartic acid.
Molecular consequence: missense variant.
Genome position (GRCh38, 1-based): chr9:95,111,539-95,111,540, GG replaced by TC on the plus strand (CC replaced by GA on the coding strand, the reverse complement: FANCC is on the minus strand). VCF-style: chr9-95111539-GG-TC. GRCh37 (hg19) VCF-style: chr9-97873821-GG-TC.
Other names: c.1252_1253delinsGA, p.Pro418Asp (NM_001243743.2, NM_001243744.2); c.1252_1253delCCinsGA (NM_000136.2); c.1252_1253delinsGA (NM_000136.2); short protein forms P418D.
Identifiers: ClinVar variation 421433 (VCV000421433.10), dbSNP rs1064795135, ClinGen allele CA16618878.
Genomic context (GRCh38, chr9:95,111,539, plus strand): 5'-TGCTGCCTCCCATCACGGGGGCCGTAGTAGAAGGCCAAGAGCCACAGCAGGGCCGTGGGG[GG>TC]TTCGGCTGCCGACATCAGTAATTGCTCTGCCACCATCTCAGCCCATCCTCCGAAGTGAAT-3'
Protein context (NP_000127.2, residues 408-428): AEQLLMSAAE[Pro418Asp]PTALLWLLAF

ClinVar aggregate classification (germline): Uncertain significance. Review status: criteria provided, multiple submitters, no conflicts (2 of 4 stars). 3 submissions from 3 submitters: Uncertain significance (3). Last evaluated 2024-08-27.

Conditions:
Hereditary cancer-predisposing syndrome. Also called: Hereditary neoplastic syndrome; Tumor predisposition; Neoplastic Syndromes, Hereditary; Hereditary Cancer Syndrome. Identifiers: Orphanet 140162, MedGen C0027672, MeSH D009386, MONDO:0015356.
Fanconi anemia (FA). Also called: Fanconi's anemia. Identifiers: Orphanet 84, MedGen C0015625, MeSH D005199, MONDO:0019391.

Submissions (3):

GeneDx
Classification: Uncertain significance. Last evaluated: 2024-08-27. Review status: criteria provided, single submitter. Criteria: GeneDx Variant Classification Process June 2021. Collection method: clinical testing. Allele origin: germline. Affected: yes.
Comment: Not observed at significant frequency in large population cohorts (gnomAD); In silico analysis supports a deleterious effect on protein structure/function; Has not been previously published as pathogenic or benign to our knowledge; This variant is associated with the following publications: (PMID: Gordon2000[Book])

Ambry Genetics
Classification: Uncertain significance for Hereditary cancer-predisposing syndrome. Last evaluated: 2023-03-22. Review status: criteria provided, single submitter. Criteria: Ambry Variant Classification Scheme 2023. Collection method: clinical testing. Allele origin: germline.
Comment: The c.1252_1253delCCinsGA variant (also known as p.P418D), located in coding exon 12 of the FANCC gene, results from an in-frame deletion of CC and insertion of GA at nucleotide positions 1252 to 1253. This results in the substitution of the proline residue for an aspartic acid residue at codon 418, an amino acid with dissimilar properties. This amino acid position is not well conserved in available vertebrate species. In addition, this alteration is predicted to be neutral by in silico analysis (Choi Y et al. PLoS ONE. 2012; 7(10):e46688).. Since supporting evidence is limited at this time, the clinical significance of this alteration remains unclear.

Labcorp Genetics (formerly Invitae), Labcorp
Classification: Uncertain significance for Fanconi anemia. Last evaluated: 2022-02-09. Review status: criteria provided, single submitter. Criteria: Invitae Variant Classification Sherloc (09022015). Collection method: clinical testing. Allele origin: germline.
Comment: This sequence change replaces proline, which is neutral and non-polar, with aspartic acid, which is acidic and polar, at codon 418 of the FANCC protein (p.Pro418Asp). Information on the frequency of this variant in the gnomAD database is not available, as this variant may be reported differently in the database. This variant has not been reported in the literature in individuals affected with FANCC-related conditions. ClinVar contains an entry for this variant (Variation ID: 421433). Algorithms developed to predict the effect of missense changes on protein structure and function are either unavailable or do not agree on the potential impact of this missense change (SIFT: "Not Available"; PolyPhen-2: "Possibly Damaging"; Align-GVGD: "Not Available"). In summary, the available evidence is currently insufficient to determine the role of this variant in disease. Therefore, it has been classified as a Variant of Uncertain Significance.